The following is an entry in ClinVar:

ClinVar aggregate classification (germline): Uncertain significance (1 of 4 stars; one submission).

Conditions:
Combined immunodeficiency with skin granulomas. Identifiers: Orphanet 157949, MedGen C2673536, MONDO:0009306, OMIM 233650.
Severe combined immunodeficiency, autosomal recessive, T cell-negative, B cell-negative, NK cell-positive. Also called: SCID, T CELL-NEGATIVE, B CELL-NEGATIVE, NK CELL-POSITIVE; Severe combined immunodeficiency due to complete RAG1/2 deficiency; SCID, AR, T-cell negative, B-cell negative, NK cell-positive. Identifiers: Orphanet 331206, MedGen C1832322, MONDO:0011086, OMIM 601457.

Submission:

Labcorp Genetics (formerly Invitae), Labcorp
Classification: Uncertain significance for Combined immunodeficiency with skin granulomas; Severe combined immunodeficiency, autosomal recessive, T cell-negative, B cell-negative, NK cell-positive. Last evaluated: 2021-08-31. Review status: criteria provided, single submitter. Criteria: Invitae Variant Classification Sherloc (09022015). Collection method: clinical testing. Allele origin: germline.
Comment: This sequence change replaces phenylalanine with isoleucine at codon 80 of the RAG2 protein (p.Phe80Ile). The phenylalanine residue is weakly conserved and there is a small physicochemical difference between phenylalanine and isoleucine. This variant is present in population databases (rs762369105, ExAC 0.009%). This variant has not been reported in the literature in individuals affected with RAG2-related conditions. Algorithms developed to predict the effect of missense changes on protein structure and function (SIFT, PolyPhen-2, Align-GVGD) all suggest that this variant is likely to be tolerated. In summary, the available evidence is currently insufficient to determine the role of this variant in disease. Therefore, it has been classified as a Variant of Uncertain Significance.

NM_000536.4(RAG2):c.238T>A (p.Phe80Ile)

Gene: RAG2 (recombination activating 2; minus strand). Cytogenetic location: 11p12.
Variant type: single nucleotide variant.
Coding change: c.238T>A on transcript NM_000536.4 (MANE Select); coding-DNA position 238, T replaced by A.
Protein change: p.Phe80Ile; replaces phenylalanine 80 with isoleucine.
Molecular consequence: missense variant.
Genome position (GRCh38, 1-based): chr11:36,593,931, A>T on the plus strand (T>A on the coding strand, the complement: RAG2 is on the minus strand). VCF-style: chr11-36593931-A-T. GRCh37 (hg19) VCF-style: chr11-36615481-A-T.
Other names: c.238T>A, p.Phe80Ile (NM_001243785.2, NM_001243786.2); short protein forms F80I.
Identifiers: ClinVar variation 953757 (VCV000953757.6), dbSNP rs762369105, ClinGen allele CA5950604.